The following is an entry in ClinVar:

NM_001037333.3(CYFIP2):c.2444T>G (p.Met815Arg)

Gene: CYFIP2 (cytoplasmic FMR1 interacting protein 2; plus strand). Cytogenetic location: 5q33.3.
Variant type: single nucleotide variant.
Coding change: c.2444T>G on transcript NM_001037333.3 (MANE Select); coding-DNA position 2444, T replaced by G.
Protein change: p.Met815Arg; replaces methionine 815 with arginine.
Molecular consequence: missense variant.
Genome position (GRCh38, 1-based): chr5:157,339,115, T>G. VCF-style: chr5-157339115-T-G. GRCh37 (hg19) VCF-style: chr5-156766123-T-G.
Other names: c.2366T>G, p.Met789Arg (NM_001291721.2); c.2519T>G, p.Met840Arg (NM_001291722.2); c.2444T>G, p.Met815Arg (NM_014376.4); short protein forms M789R, M815R, M840R.
Identifiers: ClinVar variation 3006985 (VCV003006985.3), dbSNP rs377648376, ClinGen allele CA3533866.

ClinVar aggregate classification (germline): Uncertain significance (1 of 4 stars; one submission).

Allele frequency attached by ClinVar (database versions not stated): gnomAD exomes below 0.00001; ExAC 0.00002; gnomAD 0.00003; TOPMed 0.00003; ESP Exome Variant Server 0.00008.
gnomAD v4.1: 7 of 1,613,884 alleles (0.00043%); highest among the groups gnomAD compares: African/African-American, 0.0093%; no homozygotes.

Submission:

Labcorp Genetics (formerly Invitae), Labcorp
Classification: Uncertain significance. Last evaluated: 2023-11-27. Review status: criteria provided, single submitter. Criteria: Invitae Variant Classification Sherloc (09022015). Collection method: clinical testing. Allele origin: germline.
Comment: This sequence change replaces methionine, which is neutral and non-polar, with arginine, which is basic and polar, at codon 815 of the CYFIP2 protein (p.Met815Arg). This variant is present in population databases (rs377648376, gnomAD 0.02%). This variant has not been reported in the literature in individuals affected with CYFIP2-related conditions. Experimental studies and prediction algorithms are not available or were not evaluated, and the functional significance of this variant is currently unknown. In summary, the available evidence is currently insufficient to determine the role of this variant in disease. Therefore, it has been classified as a Variant of Uncertain Significance.